The following is an entry in ClinVar:

NM_017617.5(NOTCH1):c.4571C>A (p.Ala1524Glu)

Gene: NOTCH1 (notch receptor 1; minus strand). Cytogenetic location: 9q34.3.
Variant type: single nucleotide variant.
Coding change: c.4571C>A on transcript NM_017617.5 (MANE Select); coding-DNA position 4571, C replaced by A.
Protein change: p.Ala1524Glu; replaces alanine 1524 with glutamic acid.
Molecular consequence: missense variant.
Genome position (GRCh38, 1-based): chr9:136,505,325, G>T on the plus strand (C>A on the coding strand, the complement: NOTCH1 is on the minus strand). VCF-style: chr9-136505325-G-T. GRCh37 (hg19) VCF-style: chr9-139399777-G-T.
Other names: short protein forms A1524E.
Identifiers: ClinVar variation 4804773 (VCV004804773.1).

ClinVar aggregate classification (germline): Uncertain significance (1 of 4 stars; one submission).

Conditions:
Adams-Oliver syndrome 5 (AOS5). Identifiers: Orphanet 974, MedGen C4014970, MONDO:0014459, OMIM 616028.

Submission:

Labcorp Genetics (formerly Invitae), Labcorp
Classification: Uncertain significance for Adams-Oliver syndrome 5. Last evaluated: 2025-08-24. Review status: criteria provided, single submitter. Criteria: Invitae Variant Classification Sherloc (09022015). Collection method: clinical testing. Allele origin: germline.
Comment: This sequence change replaces alanine, which is neutral and non-polar, with glutamic acid, which is acidic and polar, at codon 1524 of the NOTCH1 protein (p.Ala1524Glu). This variant is not present in population databases (gnomAD no frequency). This variant has not been reported in the literature in individuals affected with NOTCH1-related conditions. Invitae Evidence Modeling of protein sequence and biophysical properties (such as structural, functional, and spatial information, amino acid conservation, physicochemical variation, residue mobility, and thermodynamic stability) indicates that this missense variant is not expected to disrupt NOTCH1 protein function with a negative predictive value of 80%. In summary, the available evidence is currently insufficient to determine the role of this variant in disease. Therefore, it has been classified as a Variant of Uncertain Significance.